The following is an entry in ClinVar:

NM_017934.7(PHIP):c.1635C>T (p.Ser545=)

Gene: PHIP (PHIP subunit of CUL4-Ring ligase complex; minus strand). Cytogenetic location: 6q14.1.
Variant type: single nucleotide variant.
Coding change: c.1635C>T on transcript NM_017934.7 (MANE Select); coding-DNA position 1635, C replaced by T.
Protein change: p.Ser545=; no amino-acid change (serine 545 retained).
Molecular consequence: synonymous variant.
Genome position (GRCh38, 1-based): chr6:79,003,748, G>A on the plus strand (C>T on the coding strand, the complement: PHIP is on the minus strand). VCF-style: chr6-79003748-G-A. GRCh37 (hg19) VCF-style: chr6-79713465-G-A.
Identifiers: ClinVar variation 3033997 (VCV003033997.2), dbSNP rs544285958, ClinGen allele CA141847310.
Genomic context (GRCh38, chr6:79,003,748, plus strand): 5'-TAAAAAAAAATAAGGACATGATATATAGTCATCATACTCTACCTTGTCATATTTGCTACT[G>A]GACCCAAAGCCAAAAATTAAAAGATGTCCATGAGAGTCTGTGCATGCAAAATGCTGACCA-3'
Protein context (NP_060404.4, residues 535-555): HGHLLIFGFG[Ser545=]SSKYDKIADQ

ClinVar aggregate classification (germline): Likely benign (0 of 4 stars; one submission).

Conditions:
PHIP-related disorder. Also called: PHIP-related condition; PHIP-related disorders.

Allele frequency attached by ClinVar (database versions not stated): gnomAD 0.00001; gnomAD exomes below 0.00001.
gnomAD v4.1: 2 of 1,605,782 alleles (0.00012%); highest among the groups gnomAD compares: Middle Eastern, 0.017%; no homozygotes.

Submission:

PreventionGenetics, part of Exact Sciences
Classification: Likely benign for PHIP-related condition. Last evaluated: 2023-12-29. Review status: no assertion criteria provided. Collection method: clinical testing. Allele origin: germline.
Comment: This variant is classified as likely benign based on ACMG/AMP sequence variant interpretation guidelines (Richards et al. 2015 PMID: 25741868, with internal and published modifications).